The following is an entry in ClinVar:

NM_001903.5(CTNNA1):c.1220C>G (p.Ala407Gly)

Gene: CTNNA1 (catenin alpha 1; plus strand). Cytogenetic location: 5q31.2.
Variant type: single nucleotide variant.
Coding change: c.1220C>G on transcript NM_001903.5 (MANE Select); coding-DNA position 1220, C replaced by G.
Protein change: p.Ala407Gly; replaces alanine 407 with glycine.
Molecular consequence: missense variant. On other transcripts: 5 prime UTR variant (5), intron variant (2).
Genome position (GRCh38, 1-based): chr5:138,887,566, C>G. VCF-style: chr5-138887566-C-G. GRCh37 (hg19) VCF-style: chr5-138223255-C-G.
Other names: c.1220C>G, p.Ala407Gly (NM_001290307.3, NM_001323982.2, NM_001323983.1 and 3 more transcripts); c.911C>G, p.Ala304Gly (NM_001290309.3); c.851C>G, p.Ala284Gly (NM_001290310.3); c.110C>G, p.Ala37Gly (NM_001290312.1, NM_001323987.1, NM_001323988.1 and 18 more transcripts); c.-288C>G (NM_001324006.1, NM_001324007.1, NM_001324008.1 and 1 more transcripts); c.-163C>G (NM_001324013.1); c.-58+11969C>G (NM_001324012.1); c.-61+11969C>G (NM_001324010.1); short protein forms A407G, A284G, A304G, A37G.
Identifiers: ClinVar variation 2108414 (VCV002108414.4), dbSNP rs992713245, ClinGen allele CA361133100.

ClinVar aggregate classification (germline): Uncertain significance (1 of 4 stars; one submission).

Submission:

Labcorp Genetics (formerly Invitae), Labcorp
Classification: Uncertain significance. Last evaluated: 2023-04-06. Review status: criteria provided, single submitter. Criteria: Invitae Variant Classification Sherloc (09022015). Collection method: clinical testing. Allele origin: germline.
Comment: Advanced modeling of protein sequence and biophysical properties (such as structural, functional, and spatial information, amino acid conservation, physicochemical variation, residue mobility, and thermodynamic stability) performed at Invitae indicates that this missense variant is expected to disrupt CTNNA1 protein function. Algorithms developed to predict the effect of sequence changes on RNA splicing suggest that this variant may create or strengthen a splice site. In summary, the available evidence is currently insufficient to determine the role of this variant in disease. Therefore, it has been classified as a Variant of Uncertain Significance. ClinVar contains an entry for this variant (Variation ID: 2108414). This sequence change replaces alanine, which is neutral and non-polar, with glycine, which is neutral and non-polar, at codon 407 of the CTNNA1 protein (p.Ala407Gly). This variant is not present in population databases (gnomAD no frequency). This variant has not been reported in the literature in individuals affected with CTNNA1-related conditions.